The following is an entry in ClinVar:

ClinVar aggregate classification (germline): Uncertain significance. Review status: criteria provided, multiple submitters, no conflicts (2 of 4 stars). 2 submissions from 2 submitters: Uncertain significance (2). Last evaluated 2024-09-24.

Conditions:
LZTR1-related schwannomatosis. Also called: Schwannomatosis-2, susceptibility to; Schwannomatosis 2. Identifiers: Orphanet 93921, MedGen C3810283, MONDO:0014299, OMIM 615670.

Submissions (2):

Labcorp Genetics (formerly Invitae), Labcorp
Classification: Uncertain significance. Last evaluated: 2024-09-24. Review status: criteria provided, single submitter. Criteria: Invitae Variant Classification Sherloc (09022015). Collection method: clinical testing. Allele origin: germline.
Comment: This sequence change replaces serine, which is neutral and polar, with phenylalanine, which is neutral and non-polar, at codon 227 of the LZTR1 protein (p.Ser227Phe). This variant is not present in population databases (gnomAD no frequency). This variant has not been reported in the literature in individuals affected with LZTR1-related conditions. ClinVar contains an entry for this variant (Variation ID: 1709960). Invitae Evidence Modeling of protein sequence and biophysical properties (such as structural, functional, and spatial information, amino acid conservation, physicochemical variation, residue mobility, and thermodynamic stability) indicates that this missense variant is not expected to disrupt LZTR1 protein function with a negative predictive value of 80%. In summary, the available evidence is currently insufficient to determine the role of this variant in disease. Therefore, it has been classified as a Variant of Uncertain Significance.

MGZ Medical Genetics Center
Classification: Uncertain significance for LZTR1-related schwannomatosis. Last evaluated: 2021-09-06. Review status: criteria provided, single submitter. Criteria: ACMG Guidelines, 2015. Collection method: clinical testing. Allele origin: germline. Affected: yes. Observed: 1 variant allele.
Comment: ACMG criteria applied: PM2_SUP, BP4

NM_006767.4(LZTR1):c.680C>T (p.Ser227Phe)

Gene: LZTR1 (leucine zipper like post translational regulator 1; plus strand). Cytogenetic location: 22q11.21.
Variant type: single nucleotide variant.
Coding change: c.680C>T on transcript NM_006767.4 (MANE Select); coding-DNA position 680, C replaced by T.
Protein change: p.Ser227Phe; replaces serine 227 with phenylalanine.
Molecular consequence: missense variant.
Genome position (GRCh38, 1-based): chr22:20,990,414, C>T. VCF-style: chr22-20990414-C-T. GRCh37 (hg19) VCF-style: chr22-21344703-C-T.
Other names: short protein forms S227F.
Identifiers: ClinVar variation 1709960 (VCV001709960.4), dbSNP rs2518615700, ClinGen allele CA410780468.
Genomic context (GRCh38, chr22:20,990,414, plus strand): 5'-GGCCGGGGCTGAGCTGTCCTCTCCCCCTGCAGGTGGCCCAGAGTGGCGAGATCCCCCCAT[C>T]TTGCTGCAACTTCCCCGTGGCTGTGTGCCGGGACAAGATGTTTGTATTCTCTGGGCAAAG-3'
Protein context (NP_006758.2, residues 217-237): EVAQSGEIPP[Ser227Phe]CCNFPVAVCR